The following is an entry in ClinVar:

NM_006361.6(HOXB13):c.844G>T (p.Ala282Ser)

Gene: HOXB13 (homeobox B13; minus strand). Cytogenetic location: 17q21.32.
Variant type: single nucleotide variant.
Coding change: c.844G>T on transcript NM_006361.6 (MANE Select); coding-DNA position 844, G replaced by T.
Protein change: p.Ala282Ser; replaces alanine 282 with serine.
Molecular consequence: missense variant.
Genome position (GRCh38, 1-based): chr17:48,726,801, C>A on the plus strand (G>T on the coding strand, the complement: HOXB13 is on the minus strand). VCF-style: chr17-48726801-C-A. GRCh37 (hg19) VCF-style: chr17-46804163-C-A.
Other names: short protein forms A282S.
Identifiers: ClinVar variation 1039167 (VCV001039167.12), dbSNP rs752722523, ClinGen allele CA400105190.
Genomic context (GRCh38, chr17:48,726,801, plus strand): 5'-CCCCAGGACACCCCCACTTTCGCTCCTCCCACCCAGGCAAGGAGATCTCTTAAGGGGTAG[C>A]GCTGTTCTTCACCTTGGCGAGAACCTTCTTCTCTTTGACCCGGCGGTTCTGAAACCAGAT-3'
Protein context (NP_006352.2, residues 272-284): KKVLAKVKNS[Ala282Ser]TP

ClinVar aggregate classification (germline): Uncertain significance. Review status: criteria provided, multiple submitters, no conflicts (2 of 4 stars). 2 submissions from 2 submitters: Uncertain significance (2). Last evaluated 2025-02-11.

Conditions:
Hereditary cancer-predisposing syndrome. Also called: Neoplastic Syndromes, Hereditary; Hereditary Cancer Syndrome; Tumor predisposition; Hereditary neoplastic syndrome. Identifiers: Orphanet 140162, MedGen C0027672, MeSH D009386, MONDO:0015356.

Submissions (2):

Labcorp Genetics (formerly Invitae), Labcorp
Classification: Uncertain significance. Last evaluated: 2025-02-11. Review status: criteria provided, single submitter. Criteria: Invitae Variant Classification Sherloc (09022015). Collection method: clinical testing. Allele origin: germline.
Comment: This sequence change replaces alanine, which is neutral and non-polar, with serine, which is neutral and polar, at codon 282 of the HOXB13 protein (p.Ala282Ser). This variant is not present in population databases (gnomAD no frequency). This variant has not been reported in the literature in individuals affected with HOXB13-related conditions. ClinVar contains an entry for this variant (Variation ID: 1039167). An algorithm developed to predict the effect of missense changes on protein structure and function outputs the following: PolyPhen-2: "Benign". The serine amino acid residue is found in multiple mammalian species, which suggests that this missense change does not adversely affect protein function. In summary, the available evidence is currently insufficient to determine the role of this variant in disease. Therefore, it has been classified as a Variant of Uncertain Significance.

Ambry Genetics
Classification: Uncertain significance for Hereditary cancer-predisposing syndrome. Last evaluated: 2024-10-28. Review status: criteria provided, single submitter. Criteria: Ambry Variant Classification Scheme 2023. Collection method: clinical testing. Allele origin: germline.
Comment: The p.A282S variant (also known as c.844G>T), located in coding exon 2 of the HOXB13 gene, results from a G to T substitution at nucleotide position 844. The alanine at codon 282 is replaced by serine, an amino acid with similar properties. This amino acid position is not well conserved in available vertebrate species. In addition, this alteration is predicted to be tolerated by in silico analysis. Since supporting evidence is limited at this time, the clinical significance of this alteration remains unclear.